The following is an entry in ClinVar:

NM_002430.3(MN1):c.2556C>T (p.Asn852=)

Gene: MN1 (MN1 proto-oncogene, transcriptional regulator; minus strand). Cytogenetic location: 22q12.1.
Variant type: single nucleotide variant.
Coding change: c.2556C>T on transcript NM_002430.3 (MANE Select); coding-DNA position 2556, C replaced by T.
Protein change: p.Asn852=; no amino-acid change (asparagine 852 retained).
Molecular consequence: synonymous variant.
Genome position (GRCh38, 1-based): chr22:27,797,988, G>A on the plus strand (C>T on the coding strand, the complement: MN1 is on the minus strand). VCF-style: chr22-27797988-G-A. GRCh37 (hg19) VCF-style: chr22-28193976-G-A.
Identifiers: ClinVar variation 5041386 (VCV005041386.1).

ClinVar aggregate classification (germline): Likely benign (1 of 4 stars; one submission).

gnomAD v4.1: 8 of 1,594,460 alleles (0.0005%); highest among the groups gnomAD compares: Admixed American, 0.014%; no homozygotes.

Submission:

CeGaT Center for Human Genetics Tuebingen
Classification: Likely benign. Last evaluated: 2026-09-01. Review status: criteria provided, single submitter. Criteria: CeGaT Center For Human Genetics Tuebingen Variant Classification Criteria Version 2. Collection method: clinical testing. Allele origin: germline. Affected: yes. Observed: 1 variant allele.
Comment: MN1: BP4, BP7